The following is an entry in ClinVar:

ClinVar aggregate classification (germline): Likely benign. Review status: criteria provided, multiple submitters, no conflicts (2 of 4 stars). 2 submissions from 2 submitters: Likely benign (2). Last evaluated 2025-05-09.

Conditions:
Colorectal cancer, susceptibility to, 12 (CRCS12). Also called: COLORECTAL CANCER, SUSCEPTIBILITY TO, ON CHROMOSOME 12q24. Identifiers: Orphanet 220460, MedGen C3554460, MONDO:0014038, OMIM 615083.

gnomAD v4.1: 2 of 1,563,670 alleles (0.00013%); highest among the groups gnomAD compares: Admixed American, 0.0033%; no homozygotes.

Submissions (2):

Labcorp Genetics (formerly Invitae), Labcorp
Classification: Likely benign. Last evaluated: 2025-05-09. Review status: criteria provided, single submitter. Criteria: Invitae Variant Classification Sherloc (09022015). Collection method: clinical testing. Allele origin: germline.

Myriad Genetics, Inc.
Classification: Likely benign for Colorectal cancer, susceptibility to, 12. Last evaluated: 2025-02-07. Review status: criteria provided, single submitter. Criteria: Myriad Autosomal Dominant, Autosomal Recessive and X-Linked Classification Criteria (2023). Collection method: clinical testing. Allele origin: unknown.
Comment: This variant is considered likely benign. This variant is intronic and is not expected to impact mRNA splicing.

NM_006231.4(POLE):c.802-15A>G

Gene: POLE (DNA polymerase epsilon, catalytic subunit; minus strand). Cytogenetic location: 12q24.33.
Variant type: single nucleotide variant.
Coding change: c.802-15A>G on transcript NM_006231.4 (MANE Select); 15 bases into the intron before coding-DNA position 802, A replaced by G.
Molecular consequence: intron variant.
Genome position (GRCh38, 1-based): chr12:132,676,668, T>C on the plus strand (A>G on the coding strand, the complement: POLE is on the minus strand). VCF-style: chr12-132676668-T-C. GRCh37 (hg19) VCF-style: chr12-133253254-T-C.
Identifiers: ClinVar variation 2140773 (VCV002140773.5), dbSNP rs201609441, ClinGen allele CA608262441.